The following is an entry in ClinVar:

ClinVar aggregate classification (germline): Uncertain significance (1 of 4 stars; one submission).

Conditions:
Brody myopathy. Also called: BRODY DISEASE. Identifiers: Orphanet 53347, MedGen C1832918, MONDO:0010977, OMIM 601003.

Allele frequency attached by ClinVar (database versions not stated): gnomAD exomes 0.00002; ExAC 0.00004; gnomAD 0.00004; TOPMed 0.00005; ESP Exome Variant Server 0.00023.
gnomAD v4.1: 31 of 1,560,258 alleles (0.002%); highest among the groups gnomAD compares: East Asian, 0.011%; no homozygotes.

Submission:

Labcorp Genetics (formerly Invitae), Labcorp
Classification: Uncertain significance for Brody myopathy. Last evaluated: 2022-06-20. Review status: criteria provided, single submitter. Criteria: Invitae Variant Classification Sherloc (09022015). Collection method: clinical testing. Allele origin: germline.
Comment: In summary, the available evidence is currently insufficient to determine the role of this variant in disease. Therefore, it has been classified as a Variant of Uncertain Significance. Algorithms developed to predict the effect of sequence changes on RNA splicing suggest that this variant may create or strengthen a splice site. This variant has not been reported in the literature in individuals affected with ATP2A1-related conditions. This variant is present in population databases (rs148638285, gnomAD 0.02%). This sequence change affects codon 589 of the ATP2A1 mRNA. It is a 'silent' change, meaning that it does not change the encoded amino acid sequence of the ATP2A1 protein.

NM_004320.6(ATP2A1):c.1767G>A (p.Thr589=)

Gene: ATP2A1 (ATPase sarcoplasmic/endoplasmic reticulum Ca2+ transporting 1; plus strand). Cytogenetic location: 16p11.2.
Variant type: single nucleotide variant.
Coding change: c.1767G>A on transcript NM_004320.6 (MANE Select); coding-DNA position 1767, G replaced by A.
Protein change: p.Thr589=; no amino-acid change (threonine 589 retained).
Molecular consequence: synonymous variant.
Genome position (GRCh38, 1-based): chr16:28,900,583, G>A. VCF-style: chr16-28900583-G-A. GRCh37 (hg19) VCF-style: chr16-28911904-G-A.
Other names: c.1392G>A, p.Thr464= (NM_001286075.2); c.1767G>A, p.Thr589= (NM_173201.5).
Identifiers: ClinVar variation 1475137 (VCV001475137.6), dbSNP rs148638285, ClinGen allele CA7987081.